The following is an entry in ClinVar:

ClinVar aggregate classification (germline): Conflicting classifications of pathogenicity. Review status: criteria provided, conflicting classifications (1 of 4 stars). 8 submissions from 8 submitters: Uncertain significance (2); Benign (1); Likely benign (2). 3 of the submissions do not count toward it. Last evaluated 2026-01-25.

Conditions:
Retinal dystrophy. Also called: Inherited retinal dystrophy. Identifiers: Orphanet 71862, MedGen C0854723, MeSH D058499, MONDO:0019118, HP:0000556.
Usher syndrome type 2A. Also called: USHER SYNDROME, TYPE IIA; RETINAL DISEASE IN USHER SYNDROME TYPE IIA, MODIFIER OF. Identifiers: Orphanet 231178, Orphanet 886, MedGen C1848634, MONDO:0010169, OMIM 276901.
USH2A-related disorder. Also called: USH2A-related condition; USH2A-related disorders. Identifiers: MedGen CN239332.

Allele frequency attached by ClinVar (database versions not stated): gnomAD exomes 0.00016; ExAC 0.00021; 1000 Genomes Project 30x 0.00031; 1000 Genomes Project 0.00040; gnomAD 0.00074 and 0.00084; TOPMed 0.00091; ESP Exome Variant Server 0.00108.
gnomAD v4.1: 217 of 1,613,564 alleles (0.013%); highest among the groups gnomAD compares: African/African-American, 0.27%; 1 homozygote.

Submissions (8):

Labcorp Genetics (formerly Invitae), Labcorp
Classification: Benign. Last evaluated: 2026-01-25. Review status: criteria provided, single submitter. Criteria: Invitae Variant Classification Sherloc (09022015). Collection method: clinical testing. Allele origin: germline.

Blueprint Genetics
Classification: Likely benign. Last evaluated: 2024-01-30. Review status: criteria provided, single submitter. Criteria: ACMG Guidelines, 2015. Collection method: clinical testing. Allele origin: germline.

GeneDx
Classification: Uncertain significance. Last evaluated: 2021-04-13. Review status: criteria provided, single submitter. Criteria: GeneDx Variant Classification Process June 2021. Collection method: clinical testing. Allele origin: germline. Affected: yes.
Comment: In silico analysis supports that this missense variant does not alter protein structure/function; Has not been previously published as pathogenic or benign to our knowledge

Eurofins Ntd Llc (ga)
Classification: Uncertain significance. Last evaluated: 2014-04-25. Review status: criteria provided, single submitter. Criteria: EGL Classification Definitions 2015. Collection method: clinical testing. Allele origin: germline. Observed: 1 variant allele, 1 heterozygote.

Laboratory for Molecular Medicine, Mass General Brigham Personalized Medicine
Classification: Likely benign. Last evaluated: 2013-06-13. Review status: criteria provided, single submitter. Criteria: LMM Criteria. Collection method: clinical testing. Allele origin: germline. Observed: 3 variant alleles.
Comment: Asn1683Ser in Exon 25 of USH2A: This variant is not expected to have clinical si gnificance because it has been identified in 0.3% (14/4392) of African American chromosomes by the NHLBI Exome Sequencing Project (EVS/; dbSNP rs140080678) and computational analyses (PolyPhen2, SIFT, AlignGVGD) do not suggest a high likelihood of impact to the protein.

PreventionGenetics, part of Exact Sciences
Classification: Likely benign for USH2A-related condition. Last evaluated: 2024-07-05. Review status: no assertion criteria provided. Collection method: clinical testing. Allele origin: germline. Not counted in ClinVar's aggregate classification.
Comment: This variant is classified as likely benign based on ACMG/AMP sequence variant interpretation guidelines (Richards et al. 2015 PMID: 25741868, with internal and published modifications).

Natera, Inc.
Classification: Likely benign for Usher syndrome type 2A. Last evaluated: 2020-04-30. Review status: no assertion criteria provided. Collection method: clinical testing. Allele origin: germline. Not counted in ClinVar's aggregate classification.

Institute of Human Genetics, Univ. Regensburg, Univ. Regensburg
Classification: Likely benign for Retinal dystrophy. Last evaluated: 2012-01-01. Review status: no assertion criteria provided. Criteria: ACMG Guidelines, 2015. Collection method: clinical testing. Allele origin: germline. Affected: yes. Not counted in ClinVar's aggregate classification.

NM_206933.4(USH2A):c.5048A>G (p.Asn1683Ser)

Genes: USH2A (usherin; minus strand), USH2A-AS2 (USH2A antisense RNA 2; plus strand). Cytogenetic location: 1q41.
Variant type: single nucleotide variant.
Coding change: c.5048A>G on transcript NM_206933.4 (MANE Select); coding-DNA position 5048, A replaced by G.
Protein change: p.Asn1683Ser; replaces asparagine 1683 with serine.
Molecular consequence: missense variant.
Genome position (GRCh38, 1-based): chr1:216,084,817, T>C on the plus strand (A>G on the coding strand, the complement: USH2A is on the minus strand). VCF-style: chr1-216084817-T-C. GRCh37 (hg19) VCF-style: chr1-216258159-T-C.
Other names: short protein forms N1683S.
Identifiers: ClinVar variation 167816 (VCV000167816.26), dbSNP rs140080678, ClinGen allele CA182602.